The following is an entry in ClinVar:

ClinVar aggregate classification (germline): Uncertain significance (1 of 4 stars; one submission).

Conditions:
Very long chain acyl-CoA dehydrogenase deficiency (ACADVLD). Also called: Very Long-Chain Acyl-Coenzyme A Dehydrogenase Deficiency; VLCAD Deficiency. Identifiers: Orphanet 26793, MedGen C3887523, MONDO:0008723, OMIM 201475.

Submission:

Labcorp Genetics (formerly Invitae), Labcorp
Classification: Uncertain significance for Very long chain acyl-CoA dehydrogenase deficiency. Last evaluated: 2023-01-09. Review status: criteria provided, single submitter. Criteria: Invitae Variant Classification Sherloc (09022015). Collection method: clinical testing. Allele origin: germline.
Comment: ClinVar contains an entry for this variant (Variation ID: 958459). This sequence change replaces glycine, which is neutral and non-polar, with aspartic acid, which is acidic and polar, at codon 476 of the ACADVL protein (p.Gly476Asp). This variant is not present in population databases (gnomAD no frequency). This variant has not been reported in the literature in individuals affected with ACADVL-related conditions. Advanced modeling of protein sequence and biophysical properties (such as structural, functional, and spatial information, amino acid conservation, physicochemical variation, residue mobility, and thermodynamic stability) performed at Invitae indicates that this missense variant is expected to disrupt ACADVL protein function. In summary, the available evidence is currently insufficient to determine the role of this variant in disease. Therefore, it has been classified as a Variant of Uncertain Significance.

NM_000018.4(ACADVL):c.1427G>A (p.Gly476Asp)

Gene: ACADVL (acyl-CoA dehydrogenase very long chain; plus strand). Cytogenetic location: 17p13.1.
Variant type: single nucleotide variant.
Coding change: c.1427G>A on transcript NM_000018.4 (MANE Select); coding-DNA position 1427, G replaced by A.
Protein change: p.Gly476Asp; replaces glycine 476 with aspartic acid.
Molecular consequence: missense variant.
Genome position (GRCh38, 1-based): chr17:7,224,062, G>A. VCF-style: chr17-7224062-G-A. GRCh37 (hg19) VCF-style: chr17-7127381-G-A.
Other names: c.1361G>A, p.Gly454Asp (NM_001033859.3); c.1496G>A, p.Gly499Asp (NM_001270447.2); c.1199G>A, p.Gly400Asp (NM_001270448.2); short protein forms G400D, G454D, G476D, G499D.
Identifiers: ClinVar variation 958459 (VCV000958459.6), dbSNP rs2071357482, ClinGen allele CA397725087.